The following is an entry in ClinVar:

NM_000059.4(BRCA2):c.9534del (p.Asn3178fs)

Gene: BRCA2 (BRCA2 DNA repair associated; plus strand). Cytogenetic location: 13q13.1.
Variant type: Deletion.
Coding change: c.9534del on transcript NM_000059.4 (MANE Select); coding-DNA position 9534, one base deleted (C; older notation c.9534delC).
Protein change: p.Asn3178fs; shifts the reading frame from asparagine 3178.
Molecular consequence: frameshift variant.
Genome position (GRCh38, 1-based): chr13:32,396,930, C deleted. VCF-style (leftmost placement, unchanged base first): chr13-32396929-AC-A. GRCh37 (hg19) VCF-style: chr13-32971066-AC-A.
Other names: c.9534delC (NM_000059.3); short protein forms N3178fs.
Identifiers: ClinVar variation 838299 (VCV000838299.11), dbSNP rs2073040366, ClinGen allele CA916080539.

ClinVar aggregate classification (germline): Pathogenic. Review status: criteria provided, multiple submitters, no conflicts (2 of 4 stars). 2 submissions from 2 submitters: Pathogenic (2). Last evaluated 2024-04-08.

Conditions:
Hereditary breast ovarian cancer syndrome. Also called: Hereditary breast and ovarian cancer syndrome (HBOC); Hereditary breast and ovarian cancer; Hereditary breast and/or ovarian cancer syndrome; Hereditary breast and ovarian cancer syndrome; Breast and ovarian cancer; BRCA1- and BRCA2-Associated Hereditary Breast and Ovarian Cancer. Identifiers: Orphanet 145, MedGen C0677776, MeSH D061325, MONDO:0003582. Disease mechanism: loss of function.
Hereditary cancer-predisposing syndrome. Also called: Neoplastic Syndromes, Hereditary; Tumor predisposition; Hereditary neoplastic syndrome; Hereditary Cancer Syndrome. Identifiers: Orphanet 140162, MedGen C0027672, MeSH D009386, MONDO:0015356.

Submissions (2):

Labcorp Genetics (formerly Invitae), Labcorp
Classification: Pathogenic for Hereditary breast ovarian cancer syndrome. Last evaluated: 2024-04-08. Review status: criteria provided, single submitter. Criteria: Invitae Variant Classification Sherloc (09022015). Collection method: clinical testing. Allele origin: germline.
Comment: This sequence change creates a premature translational stop signal (p.Asn3178Lysfs*39) in the BRCA2 gene. While this is not anticipated to result in nonsense mediated decay, it is expected to disrupt the last 241 amino acid(s) of the BRCA2 protein. This variant is not present in population databases (gnomAD no frequency). This variant has not been reported in the literature in individuals affected with BRCA2-related conditions. ClinVar contains an entry for this variant (Variation ID: 838299). This variant disrupts a region of the BRCA2 protein in which other variant(s) (p.Tyr3308*) have been determined to be pathogenic (PMID: 17026620, 18593900, 18607349, 22711857). This suggests that this is a clinically significant region of the protein, and that variants that disrupt it are likely to be disease-causing. For these reasons, this variant has been classified as Pathogenic.

Ambry Genetics
Classification: Pathogenic for Hereditary cancer-predisposing syndrome. Last evaluated: 2023-05-16. Review status: criteria provided, single submitter. Criteria: Ambry Variant Classification Scheme 2023. Collection method: clinical testing. Allele origin: germline.
Comment: The c.9534delC pathogenic mutation, located in coding exon 25 of the BRCA2 gene, results from a deletion of one nucleotide at nucleotide position 9534, causing a translational frameshift with a predicted alternate stop codon (p.N3178Kfs*39). This alteration occurs at the 3' terminus of theBRCA2 gene, is not expected to trigger nonsense-mediated mRNA decay, and only impacts the last 7% of the protein. However, premature stop codons are typically deleterious in nature and the impacted region is critical for protein function (Ambry internal data). This variant is considered to be rare based on population cohorts in the Genome Aggregation Database (gnomAD). Based on the supporting evidence, this alteration is interpreted as a disease-causing mutation.

Literature cited by the submitters: PubMed 17026620 (cited by Labcorp Genetics (formerly Invitae), Labcorp); PubMed 18593900 (cited by Labcorp Genetics (formerly Invitae), Labcorp); PubMed 18607349 (cited by Labcorp Genetics (formerly Invitae), Labcorp); PubMed 22711857 (cited by Labcorp Genetics (formerly Invitae), Labcorp).